The following is an entry in ClinVar:

ClinVar aggregate classification (germline): Likely pathogenic (1 of 4 stars; one submission).

Conditions:
Nemaline myopathy 2 (NEM2). Also called: Nemaline myopathy 2, autosomal recessive. Identifiers: MedGen C1850569, MONDO:0009725, OMIM 256030.

Submission:

Labcorp Genetics (formerly Invitae), Labcorp
Classification: Likely pathogenic for Nemaline myopathy 2. Last evaluated: 2024-12-24. Review status: criteria provided, single submitter. Criteria: Invitae Variant Classification Sherloc (09022015). Collection method: clinical testing. Allele origin: germline.
Comment: This sequence change affects an acceptor splice site in intron 144 of the NEB gene. It is expected to disrupt RNA splicing. Variants that disrupt the donor or acceptor splice site typically lead to a loss of protein function (PMID: 16199547), and loss-of-function variants in NEB are known to be pathogenic (PMID: 25205138). This variant is not present in population databases (gnomAD no frequency). This variant has not been reported in the literature in individuals affected with NEB-related conditions. Algorithms developed to predict the effect of sequence changes on RNA splicing suggest that this variant may disrupt the consensus splice site. In summary, the currently available evidence indicates that the variant is pathogenic, but additional data are needed to prove that conclusively. Therefore, this variant has been classified as Likely Pathogenic.

Literature cited by the submitters: PubMed 16199547; PubMed 25205138.

NM_001164508.2(NEB):c.21418-2A>C

Genes: NEB (nebulin; minus strand), RIF1 (replication timing regulatory factor 1; plus strand). Cytogenetic location: 2q23.3.
Variant type: single nucleotide variant.
Coding change: c.21418-2A>C on transcript NM_001164508.2 (MANE Select); the canonical splice acceptor site of the intron before coding-DNA position 21418, A replaced by C.
Molecular consequence: splice acceptor variant.
Genome position (GRCh38, 1-based): chr2:151,531,898, T>G on the plus strand (A>C on the coding strand, the complement: NEB is on the minus strand). VCF-style: chr2-151531898-T-G. GRCh37 (hg19) VCF-style: chr2-152388412-T-G.
Other names: c.16315-2A>C (NM_004543.5); c.21418-2A>C (NM_001164507.2); c.21523-2A>C (NM_001271208.2).
Identifiers: ClinVar variation 3722697 (VCV003722697.2).